The following is an entry in ClinVar:

NM_201384.3(PLEC):c.6441_6442delinsAT (p.Arg2148Trp)

Gene: PLEC (plectin; minus strand). Cytogenetic location: 8q24.3.
Variant type: Indel.
Coding change: c.6441_6442delinsAT on transcript NM_201384.3 (MANE Select); coding-DNA positions 6441 to 6442, GC replaced by AT.
Protein change: p.Arg2148Trp; replaces arginine 2148 with tryptophan.
Molecular consequence: missense variant. On other transcripts: intron variant (1).
Genome position (GRCh38, 1-based): chr8:143,923,487-143,923,488, GC replaced by AT on the plus strand (GC replaced by AT on the coding strand, the reverse complement: PLEC is on the minus strand). VCF-style: chr8-143923487-GC-AT. GRCh37 (hg19) VCF-style: chr8-144997655-GC-AT.
Other names: c.6522_6523delinsAT, p.Arg2175Trp (NM_000445.5); c.6399_6400delinsAT, p.Arg2134Trp (NM_201378.4); c.6375_6376delinsAT, p.Arg2126Trp (NM_201379.3); c.6852_6853delinsAT, p.Arg2285Trp (NM_201380.4); c.6345_6346delinsAT, p.Arg2116Trp (NM_201381.3); c.6441_6442delinsAT, p.Arg2148Trp (NM_201382.4); c.6453_6454delinsAT, p.Arg2152Trp (NM_201383.3); c.4126-1093_4126-1092delinsAT (NM_001410941.1); short protein forms R2116W, R2126W, R2134W, R2148W, R2152W, R2175W, R2285W.
Identifiers: ClinVar variation 3757992 (VCV003757992.2).

ClinVar aggregate classification (germline): Uncertain significance (1 of 4 stars; one submission).

Conditions:
Epidermolysis bullosa simplex with nail dystrophy (EBS5D). Identifiers: MedGen C4225309, MONDO:0014661, OMIM 616487.
Epidermolysis bullosa simplex, Ogna type (EBS5A). Also called: Pidermolysis bullosa simplex 5A, Ogna type; EPIDERMOLYSIS BULLOSA SIMPLEX 5A, OGNA TYPE. Identifiers: Orphanet 79401, MedGen C0432317, MONDO:0007555, OMIM 131950.
Autosomal recessive limb-girdle muscular dystrophy type 2Q (LGMDR17). Also called: MUSCULAR DYSTROPHY, LIMB-GIRDLE, AUTOSOMAL RECESSIVE 17. Identifiers: Orphanet 254361, MedGen C3150989, MONDO:0013390, OMIM 613723.
Epidermolysis bullosa simplex 5B, with muscular dystrophy (EBS5B). Also called: EPIDERMOLYSIS BULLOSA SIMPLEX AND LIMB-GIRDLE MUSCULAR DYSTROPHY; Epidermolysis bullosa simplex with muscular dystrophy. Identifiers: Orphanet 257, MedGen C2931072, MONDO:0009181, OMIM 226670.
Epidermolysis bullosa simplex 5C, with pyloric atresia (EBS5C). Also called: PLEC-Related Epidermolysis Bullosa with Pyloric Atresia; Epidermolysis bullosa simplex with pyloric atresia; PLEC1-Related Epidermolysis Bullosa with Pyloric Atresia. Identifiers: Orphanet 158684, MedGen C2677349, MONDO:0012807, OMIM 612138.

Submission:

Labcorp Genetics (formerly Invitae), Labcorp
Classification: Uncertain significance for Autosomal recessive limb-girdle muscular dystrophy type 2Q; Epidermolysis bullosa simplex, Ogna type; Epidermolysis bullosa simplex with nail dystrophy; Epidermolysis bullosa simplex 5C, with pyloric atresia; Epidermolysis bullosa simplex 5B, with muscular dystrophy. Last evaluated: 2024-07-22. Review status: criteria provided, single submitter. Criteria: Invitae Variant Classification Sherloc (09022015). Collection method: clinical testing. Allele origin: germline.
Comment: This sequence change replaces arginine, which is basic and polar, with tryptophan, which is neutral and slightly polar, at codon 2175 of the PLEC protein (p.Arg2175Trp). Information on the frequency of this variant in the gnomAD database is not available, as this variant may be reported differently in the database. This variant has not been reported in the literature in individuals affected with PLEC-related conditions. Experimental studies and prediction algorithms are not available or were not evaluated, and the functional significance of this variant is currently unknown. In summary, the available evidence is currently insufficient to determine the role of this variant in disease. Therefore, it has been classified as a Variant of Uncertain Significance.